The following is an entry in ClinVar:

NM_003000.3(SDHB):c.828G>A (p.Lys276=)

Gene: SDHB (succinate dehydrogenase complex iron sulfur subunit B; minus strand). Cytogenetic location: 1p36.13.
Variant type: single nucleotide variant.
Coding change: c.828G>A on transcript NM_003000.3 (MANE Select); coding-DNA position 828, G replaced by A.
Protein change: p.Lys276=; no amino-acid change (lysine 276 retained).
Molecular consequence: synonymous variant.
Genome position (GRCh38, 1-based): chr1:17,018,896, C>T on the plus strand (G>A on the coding strand, the complement: SDHB is on the minus strand). VCF-style: chr1-17018896-C-T. GRCh37 (hg19) VCF-style: chr1-17345391-C-T.
Identifiers: ClinVar variation 1138626 (VCV001138626.10), dbSNP rs1260768784, ClinGen allele CA416080317.

ClinVar aggregate classification (germline): Benign/Likely benign. Review status: criteria provided, multiple submitters, no conflicts (2 of 4 stars). 3 submissions from 3 submitters: Benign (1); Likely benign (2). Last evaluated 2025-03-13.

Conditions:
Pheochromocytoma. Also called: MAX-Related Hereditary Paraganglioma-Pheochromocytoma Syndrome. Identifiers: Orphanet 29072, MedGen C0031511, MONDO:0008233, OMIM 171300, HP:0002666.
Pheochromocytoma/paraganglioma syndrome 4. Also called: CAROTID BODY TUMORS AND MULTIPLE EXTRAADRENAL PHEOCHROMOCYTOMAS; PARAGANGLIOMA, FAMILIAL MALIGNANT; PARAGANGLIOMAS, HEREDITARY EXTRAADRENAL; PHEOCHROMOCYTOMA, FAMILIAL EXTRAADRENAL; Paragangliomas 4; SDHB-Related Hereditary Paraganglioma-Pheochromocytoma Syndrome (Paragangliomas 4). Identifiers: Orphanet 29072, MedGen C1861848, MONDO:0007273, OMIM 115310.
Gastrointestinal stromal tumor. Also called: Gastrointestinal stroma tumor; Gastrointestinal stromal tumor, somatic. Identifiers: Orphanet 44890, MedGen C0238198, MeSH D046152, MONDO:0011719, OMIM 606764, HP:0100723.
Hereditary cancer-predisposing syndrome. Also called: Tumor predisposition; Hereditary Cancer Syndrome; Hereditary neoplastic syndrome; Neoplastic Syndromes, Hereditary. Identifiers: Orphanet 140162, MedGen C0027672, MeSH D009386, MONDO:0015356.

Allele frequency attached by ClinVar (database versions not stated): TOPMed 0.00001; gnomAD 0.00003; gnomAD exomes 0.00001.
gnomAD v4.1: 7 of 1,612,008 alleles (0.00043%); highest among the groups gnomAD compares: Admixed American, 0.01%; no homozygotes.

Submissions (3):

Myriad Genetics, Inc.
Classification: Benign for Pheochromocytoma/paraganglioma syndrome 4. Last evaluated: 2025-03-13. Review status: criteria provided, single submitter. Criteria: Myriad Autosomal Dominant, Autosomal Recessive and X-Linked Classification Criteria (2023). Collection method: clinical testing. Allele origin: unknown.
Comment: This variant is considered benign. This variant is a silent/synonymous amino acid change and it is not expected to impact splicing.

Labcorp Genetics (formerly Invitae), Labcorp
Classification: Likely benign for Gastrointestinal stromal tumor; Pheochromocytoma/paraganglioma syndrome 4; Pheochromocytoma. Last evaluated: 2025-02-15. Review status: criteria provided, single submitter. Criteria: Invitae Variant Classification Sherloc (09022015). Collection method: clinical testing. Allele origin: germline.

Ambry Genetics
Classification: Likely benign for Hereditary cancer-predisposing syndrome. Last evaluated: 2019-08-02. Review status: criteria provided, single submitter. Criteria: Ambry Variant Classification Scheme 2023. Collection method: clinical testing. Allele origin: germline.